The following is an entry in ClinVar:

ClinVar aggregate classification (germline): Uncertain significance. Review status: criteria provided, multiple submitters, no conflicts (2 of 4 stars). 2 submissions from 2 submitters: Uncertain significance (2). Last evaluated 2024-04-17.

Conditions:
Hypertrophic cardiomyopathy 1 (CMH1). Also called: Familial hypertrophic cardiomyopathy 1; MYH7-Related Familial Hypertrophic Cardiomyopathy. Identifiers: MedGen C3495498, MONDO:0008647, OMIM 192600.
Cardiovascular phenotype. Identifiers: MedGen CN230736.

Submissions (2):

Ambry Genetics
Classification: Uncertain significance for Cardiovascular phenotype. Last evaluated: 2024-04-17. Review status: criteria provided, single submitter. Criteria: Ambry Variant Classification Scheme 2023. Collection method: clinical testing. Allele origin: germline.
Comment: The p.Q1160H variant (also known as c.3480G>C), located in coding exon 25 of the MYH7 gene, results from a G to C substitution at nucleotide position 3480. The glutamine at codon 1160 is replaced by histidine, an amino acid with highly similar properties. This amino acid position is highly conserved in available vertebrate species. In addition, this alteration is predicted to be deleterious by in silico analysis. Based on the available evidence, the clinical significance of this variant remains unclear.

Clinical Genomics Laboratory, Washington University in St. Louis
Classification: Uncertain significance for Hypertrophic cardiomyopathy 1. Last evaluated: 2024-01-27. Review status: criteria provided, single submitter. Criteria: ACMG Guidelines, 2015. Collection method: clinical testing. Allele origin: germline.
Comment: The MYH7 c.3480G>C (p.Gln1160His) variant, to our knowledge, has not been reported in the medical literature. This variant is absent from the general population (gnomAD v4.0.0), indicating it is not a common variant. Computational predictors indicate that the variant is damaging, evidence that correlates with impact to MYH7 function. Due to limited information, and based on ACMG/AMP guidelines for variant interpretation (Richards S et al., PMID: 25741868), the clinical significance of the MYH7 c.3480G>C (p.Gln1160His) variant is uncertain at this time.

NM_000257.4(MYH7):c.3480G>C (p.Gln1160His)

Gene: MYH7 (myosin heavy chain 7; minus strand). Cytogenetic location: 14q11.2.
Variant type: single nucleotide variant.
Coding change: c.3480G>C on transcript NM_000257.4 (MANE Select); coding-DNA position 3480, G replaced by C.
Protein change: p.Gln1160His; replaces glutamine 1160 with histidine.
Molecular consequence: missense variant.
Genome position (GRCh38, 1-based): chr14:23,420,091, C>G on the plus strand (G>C on the coding strand, the complement: MYH7 is on the minus strand). VCF-style: chr14-23420091-C-G. GRCh37 (hg19) VCF-style: chr14-23889300-C-G.
Other names: c.3480G>C, p.Gln1160His (NM_001407004.1); short protein forms Q1160H.
Identifiers: ClinVar variation 3237437 (VCV003237437.2), dbSNP rs2502264778.
Genomic context (GRCh38, chr14:23,420,091, plus strand): 5'-CTCCTCCAGGTCCCGCCGCATCTTCTGGAACTCGGCCTCGCGCTTCTTGTTCATCTCGAT[C>G]TGCACGGACGTGGCCCCGCCGGCCTCTTCCAGCCGCTCGCTGATCTCCTCCAGCTCCCGA-3'
Protein context (NP_000248.2, residues 1150-1170): LEEAGGATSV[Gln1160His]IEMNKKREAE